The following is an entry in ClinVar:

NM_001291303.3(FAT4):c.14563A>G (p.Met4855Val)

Gene: FAT4 (FAT atypical cadherin 4; plus strand). Cytogenetic location: 4q28.1.
Variant type: single nucleotide variant.
Coding change: c.14563A>G on transcript NM_001291303.3 (MANE Select); coding-DNA position 14563, A replaced by G.
Protein change: p.Met4855Val; replaces methionine 4855 with valine.
Molecular consequence: missense variant.
Genome position (GRCh38, 1-based): chr4:125,491,379, A>G. VCF-style: chr4-125491379-A-G. GRCh37 (hg19) VCF-style: chr4-126412534-A-G.
Other names: c.14560A>G, p.Met4854Val (NM_001291285.3); c.14557A>G, p.Met4853Val (NM_024582.6); short protein forms M4853V, M4855V, M4854V.
Identifiers: ClinVar variation 1499448 (VCV001499448.4), dbSNP rs1560640910, ClinGen allele CA358142888.

ClinVar aggregate classification (germline): Uncertain significance (1 of 4 stars; one submission).

Allele frequency attached by ClinVar (database versions not stated): gnomAD exomes below 0.00001.
gnomAD v4.1: 2 of 1,614,200 alleles (0.00012%); highest among the groups gnomAD compares: Admixed American, 0.0017%; no homozygotes.

Submission:

Labcorp Genetics (formerly Invitae), Labcorp
Classification: Uncertain significance. Last evaluated: 2023-11-28. Review status: criteria provided, single submitter. Criteria: Invitae Variant Classification Sherloc (09022015). Collection method: clinical testing. Allele origin: germline.
Comment: This sequence change replaces methionine, which is neutral and non-polar, with valine, which is neutral and non-polar, at codon 4853 of the FAT4 protein (p.Met4853Val). This variant is not present in population databases (gnomAD no frequency). This variant has not been reported in the literature in individuals affected with FAT4-related conditions. ClinVar contains an entry for this variant (Variation ID: 1499448). Advanced modeling of protein sequence and biophysical properties (such as structural, functional, and spatial information, amino acid conservation, physicochemical variation, residue mobility, and thermodynamic stability) performed at Invitae indicates that this missense variant is not expected to disrupt FAT4 protein function with a negative predictive value of 80%. In summary, the available evidence is currently insufficient to determine the role of this variant in disease. Therefore, it has been classified as a Variant of Uncertain Significance.